The following is an entry in ClinVar:

ClinVar aggregate classification (germline): Likely benign. Review status: criteria provided, multiple submitters, no conflicts (2 of 4 stars). 2 submissions from 2 submitters: Likely benign (2). Last evaluated 2018-06-16.

Allele frequency attached by ClinVar (database versions not stated): 1000 Genomes Project 0.00599; 1000 Genomes Project 30x 0.00625; gnomAD 0.00905 and 0.00926; TOPMed 0.00937.
gnomAD v4.1: 1,411 of 152,310 alleles (0.93%); highest among the groups gnomAD compares: Middle Eastern, 1.7%; 8 homozygotes.

Submissions (2):

GeneDx
Classification: Likely benign. Last evaluated: 2018-06-16. Review status: criteria provided, single submitter. Criteria: GeneDx Variant Classification (06012015). Collection method: clinical testing. Allele origin: germline. Affected: yes.
Comment: This variant is considered likely benign or benign based on one or more of the following criteria: it is a conservative change, it occurs at a poorly conserved position in the protein, it is predicted to be benign by multiple in silico algorithms, and/or has population frequency not consistent with disease.

Breakthrough Genomics
Classification: Likely benign. Review status: criteria provided, single submitter. Criteria: ACMG Guidelines, 2015. Collection method: not provided. Allele origin: germline. Inheritance: Autosomal recessive inheritance. Affected: yes.

NM_004369.4(COL6A3):c.9230-173T>C

Gene: COL6A3 (collagen type VI alpha 3 chain; minus strand). Cytogenetic location: 2q37.3.
Variant type: single nucleotide variant.
Coding change: c.9230-173T>C on transcript NM_004369.4 (MANE Select); 173 bases into the intron before coding-DNA position 9230, T replaced by C.
Molecular consequence: intron variant.
Genome position (GRCh38, 1-based): chr2:237,333,721, A>G on the plus strand (T>C on the coding strand, the complement: COL6A3 is on the minus strand). VCF-style: chr2-237333721-A-G. GRCh37 (hg19) VCF-style: chr2-238242364-A-G.
Other names: c.7409-173T>C (NM_057166.5); c.8612-173T>C (NM_057167.4).
Identifiers: ClinVar variation 677544 (VCV000677544.2), dbSNP rs111918424, ClinGen allele CA67828871.